The following is an entry in ClinVar:

NM_001110556.2(FLNA):c.5817T>C (p.Asn1939=)

Gene: FLNA (filamin A; minus strand). Cytogenetic location: Xq28.
Variant type: single nucleotide variant.
Coding change: c.5817T>C on transcript NM_001110556.2 (MANE Select); coding-DNA position 5817, T replaced by C.
Protein change: p.Asn1939=; no amino-acid change (asparagine 1939 retained).
Molecular consequence: synonymous variant.
Genome position (GRCh38, 1-based): chrX:154,353,597, A>G on the plus strand (T>C on the coding strand, the complement: FLNA is on the minus strand). VCF-style: chrX-154353597-A-G. GRCh37 (hg19) VCF-style: chrX-153581965-A-G.
Other names: c.5793T>C, p.Asn1931= (NM_001456.4); c.5817T>C (NM_001110556.1).
Identifiers: ClinVar variation 733492 (VCV000733492.6), dbSNP rs1603359507, ClinGen allele CA519706959.

ClinVar aggregate classification (germline): Likely benign. Review status: criteria provided, multiple submitters, no conflicts (2 of 4 stars). 3 submissions from 3 submitters: Likely benign (2). 1 of the submissions does not count toward it. Last evaluated 2026-06-05.

Conditions:
FLNA-related disorder.

Allele frequency attached by ClinVar (database versions not stated): TOPMed 0.00001.

Submissions (3):

Women's Health and Genetics/Laboratory Corporation of America, LabCorp
Classification: Likely benign. Last evaluated: 2026-06-05. Review status: criteria provided, single submitter. Criteria: LabCorp Variant Classification Summary - May 2015. Collection method: clinical testing. Allele origin: germline.

Labcorp Genetics (formerly Invitae), Labcorp
Classification: Likely benign. Last evaluated: 2017-12-20. Review status: criteria provided, single submitter. Criteria: Invitae Variant Classification Sherloc (09022015). Collection method: clinical testing. Allele origin: germline.

PreventionGenetics, part of Exact Sciences
Classification: Likely benign for FLNA-related condition. Last evaluated: 2023-08-24. Review status: no assertion criteria provided. Collection method: clinical testing. Allele origin: germline. Not counted in ClinVar's aggregate classification.
Comment: This variant is classified as likely benign based on ACMG/AMP sequence variant interpretation guidelines (Richards et al. 2015 PMID: 25741868, with internal and published modifications).